The following is an entry in ClinVar:

NM_177438.3(DICER1):c.259G>A (p.Gly87Arg)

Gene: DICER1 (dicer 1, ribonuclease III; minus strand). Cytogenetic location: 14q32.13.
Variant type: single nucleotide variant.
Coding change: c.259G>A on transcript NM_177438.3 (MANE Select); coding-DNA position 259, G replaced by A.
Protein change: p.Gly87Arg; replaces glycine 87 with arginine.
Molecular consequence: missense variant.
Genome position (GRCh38, 1-based): chr14:95,132,563, C>T on the plus strand (G>A on the coding strand, the complement: DICER1 is on the minus strand). VCF-style: chr14-95132563-C-T. GRCh37 (hg19) VCF-style: chr14-95598900-C-T.
Other names: c.259G>A, p.Gly87Arg (NM_001195573.1, NM_001271282.3, NM_001291628.2 and 1 more transcripts); short protein forms G87R.
Identifiers: ClinVar variation 821548 (VCV000821548.9), dbSNP rs1595466026, ClinGen allele CA390889786.

ClinVar aggregate classification (germline): Uncertain significance. Review status: criteria provided, multiple submitters, no conflicts (2 of 4 stars). 2 submissions from 2 submitters: Uncertain significance (2). Last evaluated 2022-10-03.

Conditions:
DICER1-related tumor predisposition. Also called: DICER1-related pleuropulmonary blastoma cancer predisposition syndrome; DICER1 syndrome. Identifiers: Orphanet 284343, MedGen C3839822, MONDO:0100216.
Hereditary cancer-predisposing syndrome. Also called: Hereditary Cancer Syndrome; Neoplastic Syndromes, Hereditary; Hereditary neoplastic syndrome; Tumor predisposition. Identifiers: Orphanet 140162, MedGen C0027672, MeSH D009386, MONDO:0015356.

Submissions (2):

Labcorp Genetics (formerly Invitae), Labcorp
Classification: Uncertain significance for DICER1-related tumor predisposition. Last evaluated: 2022-10-03. Review status: criteria provided, single submitter. Criteria: Invitae Variant Classification Sherloc (09022015). Collection method: clinical testing. Allele origin: germline.
Comment: In summary, the available evidence is currently insufficient to determine the role of this variant in disease. Therefore, it has been classified as a Variant of Uncertain Significance. Advanced modeling of protein sequence and biophysical properties (such as structural, functional, and spatial information, amino acid conservation, physicochemical variation, residue mobility, and thermodynamic stability) performed at Invitae indicates that this missense variant is not expected to disrupt DICER1 protein function. ClinVar contains an entry for this variant (Variation ID: 821548). This variant has not been reported in the literature in individuals affected with DICER1-related conditions. This variant is not present in population databases (gnomAD no frequency). This sequence change replaces glycine, which is neutral and non-polar, with arginine, which is basic and polar, at codon 87 of the DICER1 protein (p.Gly87Arg).

Ambry Genetics
Classification: Uncertain significance for Hereditary cancer-predisposing syndrome. Last evaluated: 2019-12-18. Review status: criteria provided, single submitter. Criteria: Ambry Variant Classification Scheme 2023. Collection method: clinical testing. Allele origin: germline.
Comment: The p.G87R variant (also known as c.259G>A), located in coding exon 2 of the DICER1 gene, results from a G to A substitution at nucleotide position 259. The glycine at codon 87 is replaced by arginine, an amino acid with dissimilar properties. This amino acid position is highly conserved in available vertebrate species. In addition, the in silico prediction for this alteration is inconclusive. Since supporting evidence is limited at this time, the clinical significance of this alteration remains unclear.